The following is an entry in ClinVar:

ClinVar aggregate classification (germline): Uncertain significance. Review status: criteria provided, multiple submitters, no conflicts (2 of 4 stars). 3 submissions from 3 submitters: Uncertain significance (3). Last evaluated 2025-11-20.

Conditions:
Familial cancer of breast. Also called: hereditary breast carcinoma; BREAST CANCER, FAMILIAL; Hereditary breast cancer. Identifiers: Orphanet 227535, MedGen C0346153, MONDO:0016419, OMIM 114480. Disease mechanism: loss of function.
Hereditary cancer-predisposing syndrome. Also called: Tumor predisposition; Hereditary neoplastic syndrome; Neoplastic Syndromes, Hereditary; Hereditary Cancer Syndrome. Identifiers: Orphanet 140162, MedGen C0027672, MeSH D009386, MONDO:0015356.

Submissions (3):

Ambry Genetics
Classification: Uncertain significance for Hereditary cancer-predisposing syndrome. Last evaluated: 2025-11-20. Review status: criteria provided, single submitter. Criteria: Ambry Variant Classification Scheme 2023. Collection method: clinical testing. Allele origin: germline.
Comment: The c.108G>A variant (also known as p.Q36Q) is located in coding exon 2 of the PALB2 gene. This variant results from a G to A substitution at nucleotide position 108. This nucleotide substitution does not change the glutamine at codon 36. However, this change occurs in the last base pair of coding exon 2, which makes it likely to have some effect on normal mRNA splicing. This nucleotide position is well conserved in available vertebrate species. In silico splice site analysis predicts that this alteration will not have any significant effect on splicing. Based on the available evidence, the clinical significance of this variant remains unclear.

Labcorp Genetics (formerly Invitae), Labcorp
Classification: Uncertain significance for Familial cancer of breast. Last evaluated: 2024-06-23. Review status: criteria provided, single submitter. Criteria: Invitae Variant Classification Sherloc (09022015). Collection method: clinical testing. Allele origin: germline.
Comment: This sequence change affects codon 36 of the PALB2 mRNA. It is a 'silent' change, meaning that it does not change the encoded amino acid sequence of the PALB2 protein. This variant also falls at the last nucleotide of exon 2, which is part of the consensus splice site for this exon. This variant is not present in population databases (gnomAD no frequency). This variant has not been reported in the literature in individuals affected with PALB2-related conditions. ClinVar contains an entry for this variant (Variation ID: 634802). Variants that disrupt the consensus splice site are a relatively common cause of aberrant splicing (PMID: 17576681, 9536098). Algorithms developed to predict the effect of sequence changes on RNA splicing suggest that this variant is not likely to affect RNA splicing. In summary, the available evidence is currently insufficient to determine the role of this variant in disease. Therefore, it has been classified as a Variant of Uncertain Significance.

Sema4
Classification: Uncertain significance for Hereditary cancer-predisposing syndrome. Last evaluated: 2021-06-15. Review status: criteria provided, single submitter. Criteria: Sema4 Curation Guidelines. Collection method: curation. Allele origin: germline.
Comment: To the best of our knowledge, the PALB2 c.108G>A (p.Q36=) variant has not been reported in the germline of individuals with PALB2-related disease. It was not observed in the large and broad cohorts of the Genome Aggregation Database (PMID: 32461654). The variant has been reported in ClinVar (Variation ID 634802). This variant impacts the last nucleotide in exon 2 of PALB2. Splice site prediction tools used to predict disruptions to normal splicing are inconclusive, however these predictions have not been confirmed by published transcriptional studies. The evidence is insufficient to meet ACMG/AMP criteria for classifying the variant as benign or pathogenic. Thus, the clinical significance of this variant is currently uncertain.

Literature cited by the submitters: PubMed 17576681 (cited by Labcorp Genetics (formerly Invitae), Labcorp); PubMed 9536098 (cited by Labcorp Genetics (formerly Invitae), Labcorp).

NM_024675.4(PALB2):c.108G>A (p.Gln36=)

Gene: PALB2 (partner and localizer of BRCA2; minus strand). Cytogenetic location: 16p12.2.
Variant type: single nucleotide variant.
Coding change: c.108G>A on transcript NM_024675.4 (MANE Select); coding-DNA position 108, G replaced by A.
Protein change: p.Gln36=; no amino-acid change (glutamine 36 retained).
Molecular consequence: synonymous variant.
Genome position (GRCh38, 1-based): chr16:23,638,070, C>T on the plus strand (G>A on the coding strand, the complement: PALB2 is on the minus strand). VCF-style: chr16-23638070-C-T. GRCh37 (hg19) VCF-style: chr16-23649391-C-T.
Identifiers: ClinVar variation 634802 (VCV000634802.12), dbSNP rs1567224146, ClinGen allele CA494167895.